The following is an entry in ClinVar:

ClinVar aggregate classification (germline): Uncertain significance (1 of 4 stars; one submission).

Submission:

Women's Health and Genetics/Laboratory Corporation of America, LabCorp
Classification: Uncertain significance. Last evaluated: 2026-01-13. Review status: criteria provided, single submitter. Criteria: LabCorp Variant Classification Summary - May 2015. Collection method: clinical testing. Allele origin: germline.
Comment: Variant summary: The variant involves the duplication of exon 4 in the COL4A2 gene. A presumed nomenclature of c.(99+1_100-1)_(180+1_181-1)dup has been designated for the purposes of this classification. It is assumed to be a tandem duplication in direct orientation (PMIDs: 25640679, 30054569). This Copy Number Variant (CNV) is predicted to result in an in-frame duplication within this gene. The variant was absent in 21694 control chromosomes. The available data on variant occurrences in the general population are insufficient to allow any conclusion about variant significance. To our knowledge, no occurrence of c.(99+1_100-1)_(180+1_181-1)dup in individuals affected with COL4A2-related conditions and no experimental evidence demonstrating its impact on protein function have been reported. No submitters have cited clinical-significance assessments for this variant to ClinVar. Based on the evidence outlined above, the variant was classified as uncertain significance.

NC_000013.10:g.(110960471_111009818)_(111009900_111077080)dup

Gene: COL4A2 (collagen type IV alpha 2 chain; plus strand). Cytogenetic location: 13q34.
Variant type: Duplication.
Identifiers: ClinVar variation 4689416 (VCV004689416.1).